The following is an entry in ClinVar:

NM_004588.5(SCN2B):c.281G>A (p.Arg94Gln)

Gene: SCN2B (sodium voltage-gated channel beta subunit 2; minus strand). Cytogenetic location: 11q23.3.
Variant type: single nucleotide variant.
Coding change: c.281G>A on transcript NM_004588.5 (MANE Select); coding-DNA position 281, G replaced by A.
Protein change: p.Arg94Gln; replaces arginine 94 with glutamine.
Molecular consequence: missense variant.
Genome position (GRCh38, 1-based): chr11:118,168,252, C>T on the plus strand (G>A on the coding strand, the complement: SCN2B is on the minus strand). VCF-style: chr11-118168252-C-T. GRCh37 (hg19) VCF-style: chr11-118038967-C-T.
Other names: short protein forms R94Q.
Identifiers: ClinVar variation 935689 (VCV000935689.14), dbSNP rs774866184, ClinGen allele CA6300489.

ClinVar aggregate classification (germline): Conflicting classifications of pathogenicity. Review status: criteria provided, conflicting classifications (1 of 4 stars). 4 submissions from 4 submitters: Uncertain significance (3); Benign (1). Last evaluated 2025-04-29.

Conditions:
Cardiovascular phenotype. Identifiers: MedGen CN230736.
Atrial fibrillation, familial, 14 (ATFB14). Identifiers: MedGen C3809312, MONDO:0014156, OMIM 615378.

Allele frequency attached by ClinVar (database versions not stated): ExAC 0.00002; gnomAD exomes 0.00003; TOPMed 0.00003; gnomAD 0.00007 and 0.00009.
gnomAD v4.1: 38 of 1,614,074 alleles (0.0024%); highest among the groups gnomAD compares: Admixed American, 0.02%; no homozygotes.

Submissions (4):

Labcorp Genetics (formerly Invitae), Labcorp
Classification: Uncertain significance for Atrial fibrillation, familial, 14. Last evaluated: 2025-04-29. Review status: criteria provided, single submitter. Criteria: Invitae Variant Classification Sherloc (09022015). Collection method: clinical testing. Allele origin: germline.
Comment: This sequence change replaces arginine, which is basic and polar, with glutamine, which is neutral and polar, at codon 94 of the SCN2B protein (p.Arg94Gln). This variant is present in population databases (rs774866184, gnomAD 0.02%). This variant has not been reported in the literature in individuals affected with SCN2B-related conditions. ClinVar contains an entry for this variant (Variation ID: 935689). An algorithm developed to predict the effect of missense changes on protein structure and function outputs the following: PolyPhen-2: "Benign". The glutamine amino acid residue is found in multiple mammalian species, which suggests that this missense change does not adversely affect protein function. In summary, the available evidence is currently insufficient to determine the role of this variant in disease. Therefore, it has been classified as a Variant of Uncertain Significance.

Ambry Genetics
Classification: Benign for Cardiovascular phenotype. Last evaluated: 2024-04-26. Review status: criteria provided, single submitter. Criteria: Ambry Variant Classification Scheme 2023. Collection method: clinical testing. Allele origin: germline.

Women's Health and Genetics/Laboratory Corporation of America, LabCorp
Classification: Uncertain significance. Last evaluated: 2023-07-29. Review status: criteria provided, single submitter. Criteria: LabCorp Variant Classification Summary - May 2015. Collection method: clinical testing. Allele origin: germline.

Breakthrough Genomics
Classification: Uncertain significance. Review status: criteria provided, single submitter. Criteria: ACMG Guidelines, 2015. Collection method: not provided. Allele origin: germline. Inheritance: Autosomal dominant inheritance. Affected: yes.